The following is an entry in ClinVar:

NM_016310.5(POLR3K):c.36G>C (p.Leu12=)

Gene: POLR3K (RNA polymerase III subunit K; minus strand). Cytogenetic location: 16p13.3.
Variant type: single nucleotide variant.
Coding change: c.36G>C on transcript NM_016310.5 (MANE Select); coding-DNA position 36, G replaced by C.
Protein change: p.Leu12=; no amino-acid change (leucine 12 retained).
Molecular consequence: synonymous variant.
Genome position (GRCh38, 1-based): chr16:53,551, C>G on the plus strand (G>C on the coding strand, the complement: POLR3K is on the minus strand). VCF-style: chr16-53551-C-G. GRCh37 (hg19) VCF-style: chr16-103551-C-G.
Identifiers: ClinVar variation 2645765 (VCV002645765.22), dbSNP rs765406920, ClinGen allele CA7767556.

ClinVar aggregate classification (germline): Likely benign (1 of 4 stars; one submission).

Allele frequency attached by ClinVar (database versions not stated): ExAC 0.00001; gnomAD exomes 0.00001.

Submission:

CeGaT Center for Human Genetics Tuebingen
Classification: Likely benign. Last evaluated: 2023-01-01. Review status: criteria provided, single submitter. Criteria: CeGaT Center For Human Genetics Tuebingen Variant Classification Criteria Version 2. Collection method: clinical testing. Allele origin: germline. Affected: yes. Observed: 1 variant allele.
Comment: POLR3K: BP4, BP7